The following is an entry in ClinVar:

ClinVar aggregate classification (germline): Uncertain significance. Review status: criteria provided, multiple submitters, no conflicts (2 of 4 stars). 2 submissions from 2 submitters: Uncertain significance (2). Last evaluated 2024-02-28.

Conditions:
Hereditary cancer-predisposing syndrome. Also called: Neoplastic Syndromes, Hereditary; Tumor predisposition; Hereditary Cancer Syndrome; Hereditary neoplastic syndrome. Identifiers: Orphanet 140162, MedGen C0027672, MeSH D009386, MONDO:0015356.

Allele frequency attached by ClinVar (database versions not stated): TOPMed below 0.00001.
gnomAD v4.1: 2 of 1,613,130 alleles (0.00012%); highest among the groups gnomAD compares: African/African-American, 0.0013%; no homozygotes.

Submissions (2):

Ambry Genetics
Classification: Uncertain significance for Hereditary cancer-predisposing syndrome. Last evaluated: 2024-02-28. Review status: criteria provided, single submitter. Criteria: Ambry Variant Classification Scheme 2023. Collection method: clinical testing. Allele origin: germline.
Comment: The p.R293K variant (also known as c.878G>A), located in coding exon 8 of the EPCAM gene, results from a G to A substitution at nucleotide position 878. The arginine at codon 293 is replaced by lysine, an amino acid with highly similar properties. This amino acid position is conserved. In addition, this alteration is predicted to be tolerated by in silico analysis. Since supporting evidence is limited at this time, the clinical significance of this alteration remains unclear.

Labcorp Genetics (formerly Invitae), Labcorp
Classification: Uncertain significance. Last evaluated: 2014-12-04. Review status: criteria provided, single submitter. Criteria: Invitae Variant Classification Sherloc (09022015). Collection method: clinical testing. Allele origin: germline.
Comment: Algorithms developed to predict the effect of missense changes on protein structure and function (SIFT, PolyPhen-2, Align-GVGD) all suggest that this sequence change is likely to be tolerated, but these predictions have not been confirmed by published functional studies. This sequence change has not been published in the literature and is not present in population databases. This sequence change replaces arginine with lysine at codon 293 of the EPCAM protein ((p.Arg293Lys). The arginine residue is moderately conserved and there is a small physicochemical difference between arginine and lysine. In summary, this is a novel missense change that is not predicted to affect protein function or cause disease. However, the evidence is insufficient at this time to prove that conclusively. It has been classified as a Variant of Uncertain Significance.

NM_002354.3(EPCAM):c.878G>A (p.Arg293Lys)

Gene: EPCAM (epithelial cell adhesion molecule; plus strand). Cytogenetic location: 2p21.
Variant type: single nucleotide variant.
Coding change: c.878G>A on transcript NM_002354.3 (MANE Select); coding-DNA position 878, G replaced by A.
Protein change: p.Arg293Lys; replaces arginine 293 with lysine.
Molecular consequence: missense variant.
Genome position (GRCh38, 1-based): chr2:47,385,185, G>A. VCF-style: chr2-47385185-G-A. GRCh37 (hg19) VCF-style: chr2-47612324-G-A.
Other names: short protein forms R293K.
Identifiers: ClinVar variation 188282 (VCV000188282.11), dbSNP rs786204192, ClinGen allele CA334515.